The following is an entry in ClinVar:

ClinVar aggregate classification (germline): Pathogenic (1 of 4 stars; one submission).

Conditions:
Neuromuscular disease caused by qualitative or quantitative defects of dystrophin. Also called: Qualitative or quantitative defects of dystrophin. Identifiers: Orphanet 207085, MedGen C5679787, MONDO:0016147.

Submission:

Women's Health and Genetics/Laboratory Corporation of America, LabCorp
Classification: Pathogenic for Neuromuscular disease caused by qualitative or quantitative defects of dystrophin. Last evaluated: 2025-03-26. Review status: criteria provided, single submitter. Criteria: LabCorp Variant Classification Summary - May 2015. Collection method: clinical testing. Allele origin: germline.
Comment: Variant summary: The variant involves the deletion of exons 22-30 in the DMD gene. This Copy Number Variant (CNV) is expected to alter the reading frame and predicted to result in a truncation or absence of the encoded protein due to nonsense mediated decay (NMD). A presumed nomenclature of c.(2803+1_2804-1)_(4233+1_4234-1)del has been designated for the purposes of this classification. The variant was absent in 16120 control chromosomes. c.(2803+1_2804-1)_(4233+1_4234-1)del has been reported in the literature in individuals affected with Dystrophinopathies (example: Nallamilli_2021). The following publication has been ascertained in the context of this evaluation (PMID: 33644936). ClinVar contains an entry for this variant (Variation ID: 832393). Based on the evidence outlined above, the variant was classified as pathogenic.

Literature cited by the submitters: PubMed 33644936.

NC_000023.10:g.(32408299_32429868)_(32490427_32503035)del

Gene: DMD (dystrophin; minus strand). Cytogenetic location: Xp21.1.
Variant type: Deletion.
Identifiers: ClinVar variation 3895925 (VCV003895925.1).